The following is an entry in ClinVar:

NM_007194.4(CHEK2):c.457A>G (p.Lys153Glu)

Gene: CHEK2 (checkpoint kinase 2; minus strand). Cytogenetic location: 22q12.1.
Variant type: single nucleotide variant.
Coding change: c.457A>G on transcript NM_007194.4 (MANE Select); coding-DNA position 457, A replaced by G.
Protein change: p.Lys153Glu; replaces lysine 153 with glutamic acid.
Molecular consequence: missense variant. On other transcripts: 5 prime UTR variant (2), intron variant (1).
Genome position (GRCh38, 1-based): chr22:28,725,112, T>C on the plus strand (A>G on the coding strand, the complement: CHEK2 is on the minus strand). VCF-style: chr22-28725112-T-C. GRCh37 (hg19) VCF-style: chr22-29121100-T-C.
Other names: c.586A>G, p.Lys196Glu (NM_001005735.3, NM_001438294.1); c.-321A>G (NM_001257387.3); c.-207A>G (NM_001437942.1); c.550A>G, p.Lys184Glu (NM_001438293.1, NM_001438295.1); c.457A>G, p.Lys153Glu (NM_145862.3); c.444+131A>G (NM_001349956.3); short protein forms K153E, K196E, K184E.
Identifiers: ClinVar variation 479587 (VCV000479587.9), dbSNP rs1555927017, ClinGen allele CA411107724.

ClinVar aggregate classification (germline): Uncertain significance. Review status: criteria provided, multiple submitters, no conflicts (2 of 4 stars). 3 submissions from 3 submitters: Uncertain significance (3). Last evaluated 2026-01-25.

Conditions:
Hereditary cancer-predisposing syndrome. Also called: Hereditary Cancer Syndrome; Neoplastic Syndromes, Hereditary; Tumor predisposition; Hereditary neoplastic syndrome. Identifiers: Orphanet 140162, MedGen C0027672, MeSH D009386, MONDO:0015356.
Familial cancer of breast. Also called: BREAST CANCER, FAMILIAL; Hereditary breast cancer; hereditary breast carcinoma. Identifiers: Orphanet 227535, MedGen C0346153, MONDO:0016419, OMIM 114480. Disease mechanism: loss of function.

Submissions (3):

Labcorp Genetics (formerly Invitae), Labcorp
Classification: Uncertain significance for Familial cancer of breast. Last evaluated: 2026-01-25. Review status: criteria provided, single submitter. Criteria: Invitae Variant Classification Sherloc (09022015). Collection method: clinical testing. Allele origin: germline.
Comment: This sequence change replaces lysine, which is basic and polar, with glutamic acid, which is acidic and polar, at codon 153 of the CHEK2 protein (p.Lys153Glu). This variant is not present in population databases (gnomAD no frequency). This variant has not been reported in the literature in individuals affected with CHEK2-related conditions. ClinVar contains an entry for this variant (Variation ID: 479587). An algorithm developed to predict the effect of missense changes on protein structure and function (PolyPhen-2) suggests that this variant is likely to be tolerated. In summary, the available evidence is currently insufficient to determine the role of this variant in disease. Therefore, it has been classified as a Variant of Uncertain Significance.

GeneDx
Classification: Uncertain significance. Last evaluated: 2023-03-02. Review status: criteria provided, single submitter. Criteria: GeneDx Variant Classification Process June 2021. Collection method: clinical testing. Allele origin: germline. Affected: yes.
Comment: Not observed at significant frequency in large population cohorts (gnomAD); In silico analysis supports that this missense variant does not alter protein structure/function; Has not been previously published as pathogenic or benign to our knowledge; This variant is associated with the following publications: (PMID: 19782031, 22419737)

Ambry Genetics
Classification: Uncertain significance for Hereditary cancer-predisposing syndrome. Last evaluated: 2019-08-08. Review status: criteria provided, single submitter. Criteria: Ambry Variant Classification Scheme 2023. Collection method: clinical testing. Allele origin: germline.
Comment: The p.K153E variant (also known as c.457A>G), located in coding exon 3 of the CHEK2 gene, results from an A to G substitution at nucleotide position 457. The lysine at codon 153 is replaced by glutamic acid, an amino acid with similar properties. This amino acid position is highly conserved in available vertebrate species. In addition, this alteration is predicted to be deleterious by in silico analysis. Since supporting evidence is limited at this time, the clinical significance of this alteration remains unclear.